The following is an entry in ClinVar:

NM_017617.5(NOTCH1):c.824G>C (p.Gly275Ala)

Gene: NOTCH1 (notch receptor 1; minus strand). Cytogenetic location: 9q34.3.
Variant type: single nucleotide variant.
Coding change: c.824G>C on transcript NM_017617.5 (MANE Select); coding-DNA position 824, G replaced by C.
Protein change: p.Gly275Ala; replaces glycine 275 with alanine.
Molecular consequence: missense variant.
Genome position (GRCh38, 1-based): chr9:136,519,484, C>G on the plus strand (G>C on the coding strand, the complement: NOTCH1 is on the minus strand). VCF-style: chr9-136519484-C-G. GRCh37 (hg19) VCF-style: chr9-139413936-C-G.
Other names: short protein forms G275A.
Identifiers: ClinVar variation 2014778 (VCV002014778.4), dbSNP rs2133372721, ClinGen allele CA375566348.

ClinVar aggregate classification (germline): Uncertain significance (1 of 4 stars; one submission).

Conditions:
Adams-Oliver syndrome 5 (AOS5). Identifiers: Orphanet 974, MedGen C4014970, MONDO:0014459, OMIM 616028.

Submission:

Labcorp Genetics (formerly Invitae), Labcorp
Classification: Uncertain significance for Adams-Oliver syndrome 5. Last evaluated: 2024-10-24. Review status: criteria provided, single submitter. Criteria: Invitae Variant Classification Sherloc (09022015). Collection method: clinical testing. Allele origin: germline.
Comment: This sequence change replaces glycine, which is neutral and non-polar, with alanine, which is neutral and non-polar, at codon 275 of the NOTCH1 protein (p.Gly275Ala). This variant is not present in population databases (gnomAD no frequency). This variant has not been reported in the literature in individuals affected with NOTCH1-related conditions. ClinVar contains an entry for this variant (Variation ID: 2014778). An algorithm developed to predict the effect of missense changes on protein structure and function (PolyPhen-2) suggests that this variant is likely to be disruptive. In summary, the available evidence is currently insufficient to determine the role of this variant in disease. Therefore, it has been classified as a Variant of Uncertain Significance.